The following is an entry in ClinVar:

ClinVar aggregate classification (germline): Uncertain significance (1 of 4 stars; one submission).

Conditions:
HOMER2-related disorder. Also called: HOMER2-related condition.

gnomAD v4.1: 47 of 1,559,926 alleles (0.003%); highest among the groups gnomAD compares: Non-Finnish European, 0.0038%; no homozygotes.

Submission:

PreventionGenetics, part of Exact Sciences
Classification: Uncertain significance for HOMER2-related condition. Last evaluated: 2026-04-20. Review status: criteria provided, single submitter. Criteria: ACMG Guidelines, 2015. Collection method: clinical testing. Allele origin: germline.
Comment: The HOMER2 c.773A>C variant is predicted to result in the amino acid substitution p.Asp258Ala. To our knowledge, this variant has not been reported in the literature. This variant is reported in 0.0024% of alleles in individuals of European (Non-Finnish) descent in gnomAD. At this time, the clinical significance of this variant is uncertain due to the absence of conclusive functional and genetic evidence.

NM_004839.4(HOMER2):c.773A>C (p.Asp258Ala)

Gene: HOMER2 (homer scaffold protein 2; minus strand). Cytogenetic location: 15q25.2.
Variant type: single nucleotide variant.
Coding change: c.773A>C on transcript NM_004839.4 (MANE Select); coding-DNA position 773, A replaced by C.
Protein change: p.Asp258Ala; replaces aspartic acid 258 with alanine.
Molecular consequence: missense variant.
Genome position (GRCh38, 1-based): chr15:82,851,221, T>G on the plus strand (A>C on the coding strand, the complement: HOMER2 is on the minus strand). VCF-style: chr15-82851221-T-G. GRCh37 (hg19) VCF-style: chr15-83519973-T-G.
Other names: c.806A>C, p.Asp269Ala (NM_199330.3); short protein forms D269A, D258A.
Identifiers: ClinVar variation 4987842 (VCV004987842.1).